The following is an entry in ClinVar:

ClinVar aggregate classification (germline): Benign (1 of 4 stars; one submission).

Submission:

Laboratory for Molecular Medicine, Mass General Brigham Personalized Medicine
Classification: Benign. Last evaluated: 2015-04-03. Review status: criteria provided, single submitter. Criteria: LMM Criteria. Collection method: clinical testing. Allele origin: germline. Observed: 3 variant alleles.
Comment: c.5534+7_5534+8ins25 in intron 44 of PTPRD: This variant is not expected to have clinical significance because it has been identified in 15% (2409/16470) South Asian chromosomes, including 184 homozygotes, by the Exome Aggregation Consortiu m Sequencing Project (CCATTCTTGAACTGTAACT; dbSNP rs3215098).

Literature cited by the submitters: PubMed 19478061; PubMed 19074898; PubMed 23800680.

NM_002839.4(PTPRD):c.5534+7_5534+8insGGTAAGTTAGTTACAGTTCAAGAAT

Gene: PTPRD (protein tyrosine phosphatase receptor type D; minus strand). Cytogenetic location: 9p24.1.
Variant type: Insertion.
Coding change: c.5534+7_5534+8insGGTAAGTTAGTTACAGTTCAAGAAT on transcript NM_002839.4 (MANE Select); bases 7 to 8 of the intron after coding-DNA position 5534, GGTAAGTTAGTTACAGTTCAAGAAT inserted.
Molecular consequence: splice donor variant.
Genome position: GRCh38 VCF-style: chr9-8331574-A-AAACTTACCATTCTTGAACTGTAACT. GRCh37 (hg19) VCF-style: chr9-8331574-A-AAACTTACCATTCTTGAACTGTAACT.
Other names: c.4313+7_4313+8insGGTAAGTTAGTTACAGTTCAAGAAT (NM_001171025.2, NM_130391.4); c.4325+7_4325+8insGGTAAGTTAGTTACAGTTCAAGAAT (NM_001377946.1); c.5549+7_5549+8insGGTAAGTTAGTTACAGTTCAAGAAT (NM_001378058.1); c.5594+7_5594+8insGGTAAGTTAGTTACAGTTCAAGAAT (NM_001377958.1); c.4295+7_4295+8insGGTAAGTTAGTTACAGTTCAAGAAT (NM_001377947.1); c.4304+7_4304+8insGGTAAGTTAGTTACAGTTCAAGAAT (NM_001040712.2); c.4286+7_4286+8insGGTAAGTTAGTTACAGTTCAAGAAT (NM_130393.3); c.4316+7_4316+8insGGTAAGTTAGTTACAGTTCAAGAAT (NM_130392.3).
Identifiers: ClinVar variation 227045 (VCV000227045.5), dbSNP rs3215098, ClinGen allele CA4983006.